The following is an entry in ClinVar:

NM_021971.4(GMPPB):c.395C>G (p.Ser132Cys)

Gene: GMPPB (GDP-mannose pyrophosphorylase B; minus strand). Cytogenetic location: 3p21.31.
Variant type: single nucleotide variant.
Coding change: c.395C>G on transcript NM_021971.4 (MANE Select); coding-DNA position 395, C replaced by G.
Protein change: p.Ser132Cys; replaces serine 132 with cysteine.
Molecular consequence: missense variant.
Genome position (GRCh38, 1-based): chr3:49,722,979, G>C on the plus strand (C>G on the coding strand, the complement: GMPPB is on the minus strand). VCF-style: chr3-49722979-G-C. GRCh37 (hg19) VCF-style: chr3-49760412-G-C.
Other names: c.395C>G, p.Ser132Cys (NM_013334.4); short protein forms S132C.
Identifiers: ClinVar variation 640100 (VCV000640100.13), dbSNP rs145535498, ClinGen allele CA2405586.
Genomic context (GRCh38, chr3:49,722,979, plus strand): 5'-AGGCTGGGCATGGAGGGTGAAAGTGTCAAGAGAGAGAAGACCTGGCGCCTTACCAGGATG[G>C]AGCCCTCCTGGCCATGGTGCCGGTGGAACTGCACCATGGCTTGGAAGGGGAAATCGCAGA-3'
Protein context (NP_068806.2, residues 122-142): QFHRHHGQEG[Ser132Cys]ILVTKVEEPS

ClinVar aggregate classification (germline): Conflicting classifications of pathogenicity. Review status: criteria provided, conflicting classifications (1 of 4 stars). 3 submissions from 3 submitters: Pathogenic (1); Uncertain significance (2). Last evaluated 2026-07-21.

Conditions:
Muscular dystrophy-dystroglycanopathy (congenital with brain and eye anomalies), type A14. Also called: Congenital Muscular Dystrophy-Dystroglycanopathy with Brain and Eye Anomalies Type A 14; Congenital muscular dystrophy-dystroglycanopathy with brain and eye anomalies, type A14; Muscular dystrophy-dystroglycanopathy (congenital with brain and eye anomalies), type a, 14; WALKER-WARBURG SYNDROME OR MUSCLE-EYE-BRAIN DISEASE, GMPPB-RELATED. Identifiers: Orphanet 588, MedGen C3809216, MONDO:0014140, OMIM 615350.
Muscular dystrophy-dystroglycanopathy (congenital with impaired intellectual development), type B, 14. Also called: Congenital muscular dystrophy-dystroglycanopathy with mental retardation, type B14; MUSCULAR DYSTROPHY, CONGENITAL, GMPPB-RELATED; Muscular dystrophy-dystroglycanopathy (congenital with intellectual disability), type B14. Identifiers: MedGen C3809221, MONDO:0014141, OMIM 615351.
Autosomal recessive limb-girdle muscular dystrophy type 2T. Also called: Limb-girdle muscular dystrophy-dystroglycanopathy, type C14; MUSCULAR DYSTROPHY-DYSTROGLYCANOPATHY, LIMB-GIRDLE, GMPPB-RELATED; MUSCULAR DYSTROPHY, LIMB-GIRDLE, TYPE 2T; Muscular dystrophy-dystroglycanopathy (limb-girdle), type c, 14. Identifiers: Orphanet 363623, MedGen C4518000, MONDO:0014142, OMIM 615352.

Allele frequency attached by ClinVar (database versions not stated): gnomAD exomes 0.00001 and below 0.00001; TOPMed 0.00003; gnomAD 0.00001; ESP Exome Variant Server 0.00008; ExAC 0.00001.

Submissions (3):

GeneDx
Classification: Uncertain significance. Last evaluated: 2026-07-21. Review status: criteria provided, single submitter. Criteria: GeneDx Variant Classification Process June 2021. Collection method: clinical testing. Allele origin: germline.
Comment: Not observed at significant frequency in large population cohorts (gnomAD); In silico analysis suggests that this missense variant does not alter protein structure/function; This variant is associated with the following publications: (PMID: 35006422, 26310427)

Labcorp Genetics (formerly Invitae), Labcorp
Classification: Pathogenic for Autosomal recessive limb-girdle muscular dystrophy type 2T; Muscular dystrophy-dystroglycanopathy (congenital with brain and eye anomalies), type A14; Muscular dystrophy-dystroglycanopathy (congenital with impaired intellectual development), type B, 14. Last evaluated: 2025-02-12. Review status: criteria provided, single submitter. Criteria: Invitae Variant Classification Sherloc (09022015). Collection method: clinical testing. Allele origin: germline.
Comment: This sequence change replaces serine, which is neutral and polar, with cysteine, which is neutral and slightly polar, at codon 132 of the GMPPB protein (p.Ser132Cys). This variant is present in population databases (rs145535498, gnomAD 0.002%). This missense change has been observed in individual(s) with dystroglycanopathy (PMID: 26310427; internal data). In at least one individual the data is consistent with being in trans (on the opposite chromosome) from a pathogenic variant. It has also been observed to segregate with disease in related individuals. ClinVar contains an entry for this variant (Variation ID: 640100). Invitae Evidence Modeling of protein sequence and biophysical properties (such as structural, functional, and spatial information, amino acid conservation, physicochemical variation, residue mobility, and thermodynamic stability) indicates that this missense variant is not expected to disrupt GMPPB protein function with a negative predictive value of 80%. For these reasons, this variant has been classified as Pathogenic.

Revvity Omics, Revvity
Classification: Uncertain significance. Last evaluated: 2019-05-06. Review status: criteria provided, single submitter. Criteria: ACMG Guidelines, 2015. Collection method: clinical testing. Allele origin: germline.

Literature cited by the submitters: PubMed 26310427 (cited by Labcorp Genetics (formerly Invitae), Labcorp).